The following is an entry in ClinVar:

NM_004628.5(XPC):c.1567dup (p.Arg523fs)

Gene: XPC (XPC complex subunit, DNA damage recognition and repair factor; minus strand). Cytogenetic location: 3p25.1.
Variant type: Duplication.
Coding change: c.1567dup on transcript NM_004628.5 (MANE Select); coding-DNA position 1567, one base duplicated (A; older notation c.1567dupA).
Protein change: p.Arg523fs; shifts the reading frame from arginine 523.
Molecular consequence: frameshift variant. On other transcripts: non-coding transcript variant (2).
Genome position (GRCh38, 1-based): chr3:14,158,316, T duplicated on the plus strand (A on the coding strand, the reverse complement: XPC is on the minus strand); the first of 6 consecutive T bases (chr3:14,158,316-14,158,321); duplicating any one gives the same sequence. VCF-style (leftmost placement, unchanged base first): chr3-14158315-C-CT. GRCh37 (hg19) VCF-style: chr3-14199815-C-CT.
Other names: c.988dup, p.Arg330fs (NM_001354726.2); c.1567dup, p.Arg523fs (NM_001354727.2, NM_001354730.2); c.1549dup, p.Arg517fs (NM_001354729.2); short protein forms R517fs, R523fs, R330fs.
Identifiers: ClinVar variation 2710765 (VCV002710765.3), dbSNP rs2470258015, ClinGen allele CA2697550695.
Genomic context (GRCh38, chr3:14,158,315, plus strand): 5'-ACCCACTTTTCCTCCTGCTCACAGAACACCTCTAGCCACTGGTCTATACCAGCTATGCTT[C>CT]TTTTTTCTGCCTTCTCACCATCGCTGCACATTTTCTTGCCTCTTTTACTGCTTGAAGAGC-3'

ClinVar aggregate classification (germline): Pathogenic (1 of 4 stars; one submission).

Submission:

Labcorp Genetics (formerly Invitae), Labcorp
Classification: Pathogenic. Last evaluated: 2024-01-22. Review status: criteria provided, single submitter. Criteria: Invitae Variant Classification Sherloc (09022015). Collection method: clinical testing. Allele origin: germline.
Comment: This sequence change creates a premature translational stop signal (p.Arg523Lysfs*15) in the XPC gene. It is expected to result in an absent or disrupted protein product. Loss-of-function variants in XPC are known to be pathogenic (PMID: 23173980, 25256075). This variant is not present in population databases (gnomAD no frequency). This variant has not been reported in the literature in individuals affected with XPC-related conditions. For these reasons, this variant has been classified as Pathogenic.

Literature cited by the submitters: PubMed 23173980; PubMed 25256075.